The following is an entry in ClinVar:

NM_005536.4(IMPA1):c.115C>T (p.Pro39Ser)

Gene: IMPA1 (inositol monophosphatase 1; minus strand). Cytogenetic location: 8q21.13.
Variant type: single nucleotide variant.
Coding change: c.115C>T on transcript NM_005536.4 (MANE Select); coding-DNA position 115, C replaced by T.
Protein change: p.Pro39Ser; replaces proline 39 with serine.
Molecular consequence: missense variant.
Genome position (GRCh38, 1-based): chr8:81,680,732, G>A on the plus strand (C>T on the coding strand, the complement: IMPA1 is on the minus strand). VCF-style: chr8-81680732-G-A. GRCh37 (hg19) VCF-style: chr8-82592967-G-A.
Other names: c.292C>T, p.Pro98Ser (NM_001144878.2); c.115C>T, p.Pro39Ser (NM_001144879.2); short protein forms P39S, P98S.
Identifiers: ClinVar variation 713363 (VCV000713363.25), dbSNP rs61755740, ClinGen allele CA4792730.

ClinVar aggregate classification (germline): Likely benign. Review status: criteria provided, multiple submitters, no conflicts (2 of 4 stars). 3 submissions from 3 submitters: Likely benign (3). Last evaluated 2026-09-01.

Allele frequency attached by ClinVar (database versions not stated): 1000 Genomes Project 30x 0.00094; 1000 Genomes Project 0.00100; ExAC 0.00285; gnomAD exomes 0.00287; gnomAD 0.00293; ESP Exome Variant Server 0.00369; TOPMed 0.00374.

Submissions (3):

CeGaT Center for Human Genetics Tuebingen
Classification: Likely benign. Last evaluated: 2026-09-01. Review status: criteria provided, single submitter. Criteria: CeGaT Center For Human Genetics Tuebingen Variant Classification Criteria Version 2. Collection method: clinical testing. Allele origin: germline. Affected: yes. Observed: 13 variant alleles.
Comment: IMPA1: BP4, BS2

Labcorp Genetics (formerly Invitae), Labcorp
Classification: Likely benign. Last evaluated: 2019-12-31. Review status: criteria provided, single submitter. Criteria: Invitae Variant Classification Sherloc (09022015). Collection method: clinical testing. Allele origin: germline.

Breakthrough Genomics
Classification: Likely benign. Review status: criteria provided, single submitter. Criteria: ACMG Guidelines, 2015. Collection method: not provided. Allele origin: germline. Inheritance: Autosomal recessive inheritance. Affected: yes.